The following is an entry in ClinVar:

ClinVar aggregate classification (germline): Uncertain significance. Review status: criteria provided, multiple submitters, no conflicts (2 of 4 stars). 3 submissions from 3 submitters: Uncertain significance (3). Last evaluated 2026-06-02.

Conditions:
Type 2 diabetes mellitus. Also called: Type II diabetes mellitus. Identifiers: MedGen C0011860, MeSH D003924, MONDO:0005148, OMIM 125853, HP:0005978.
Leucine-induced hypoglycemia (LIH). Also called: LEUCINE-SENSITIVE HYPOGLYCEMIA OF INFANCY. Identifiers: MedGen C0271714, MONDO:0009415, OMIM 240800.
Diabetes mellitus, permanent neonatal 3. Also called: ABCC8-Related Permanent Neonatal Diabetes Mellitus. Identifiers: MedGen C5394303, MONDO:0030088, OMIM 618857.
Diabetes mellitus, transient neonatal, 2 (TNDM2). Identifiers: Orphanet 99886, MedGen C1835887, MONDO:0012480, OMIM 610374. Disease mechanism: loss of function.
Hyperinsulinemic hypoglycemia, familial, 1 (HHF1). Also called: NESIDIOBLASTOSIS OF PANCREAS; Persistent hyperinsulinemic hypoglycemia of infancy; HYPERINSULINISM, FAMILIAL, WITH PANCREATIC NESIDIOBLASTOSIS; HYPOGLYCEMIA, HYPERINSULINEMIC, OF INFANCY; Persistent Hyperinsulinemia Hypoglycemia of Infancy. Identifiers: Orphanet 276575, Orphanet 276598, MedGen C2931832, MONDO:0009734, OMIM 256450.

Submissions (3):

Women's Health and Genetics/Laboratory Corporation of America, LabCorp
Classification: Uncertain significance. Last evaluated: 2026-06-02. Review status: criteria provided, single submitter. Criteria: LabCorp Variant Classification Summary - May 2015. Collection method: clinical testing. Allele origin: germline.
Comment: Variant summary: ABCC8 c.1429G>A (p.Val477Met) results in a conservative amino acid change in the encoded protein sequence. Algorithms developed to predict the effect of missense changes on protein structure and function are either unavailable or do not agree on the potential impact of this missense change. The variant allele was found at a frequency of 8e-06 in 251340 control chromosomes. The available data on variant occurrences in the general population are insufficient to allow any conclusion about variant significance. c.1429G>A has been observed in an individual affected with Pulmonary arterial hypertension (Castao_2020). This report does not provide unequivocal conclusions about association of the variant with Familial Hyperinsulinism. To our knowledge, no experimental evidence demonstrating an impact on protein function has been reported. The following publications have been ascertained in the context of this evaluation (PMID: 32934261, 33007923). ClinVar contains an entry for this variant (Variation ID: 3599395). Based on the evidence outlined above, the variant was classified as uncertain significance.

Labcorp Genetics (formerly Invitae), Labcorp
Classification: Uncertain significance. Last evaluated: 2025-01-28. Review status: criteria provided, single submitter. Criteria: Invitae Variant Classification Sherloc (09022015). Collection method: clinical testing. Allele origin: germline.
Comment: This sequence change replaces valine, which is neutral and non-polar, with methionine, which is neutral and non-polar, at codon 477 of the ABCC8 protein (p.Val477Met). This variant is present in population databases (rs778954189, gnomAD 0.002%). This missense change has been observed in individual(s) with clinical features of idiopathic pulmonary arterial hypertension (PMID: 33007923). Invitae Evidence Modeling of protein sequence and biophysical properties (such as structural, functional, and spatial information, amino acid conservation, physicochemical variation, residue mobility, and thermodynamic stability) has been performed for this missense variant. However, the output from this modeling did not meet the statistical confidence thresholds required to predict the impact of this variant on ABCC8 protein function. Studies have shown that this missense change does not affect mRNA splicing (PMID: 32934261). In summary, the available evidence is currently insufficient to determine the role of this variant in disease. Therefore, it has been classified as a Variant of Uncertain Significance.

Fulgent Genetics
Classification: Uncertain significance for Type 2 diabetes mellitus; Leucine-induced hypoglycemia; Hyperinsulinemic hypoglycemia, familial, 1; Diabetes mellitus, transient neonatal, 2; Diabetes mellitus, permanent neonatal 3. Last evaluated: 2024-06-08. Review status: criteria provided, single submitter. Criteria: ACMG Guidelines, 2015. Collection method: clinical testing. Allele origin: germline.

Literature cited by the submitters: PubMed 32934261 (cited by Women's Health and Genetics/Laboratory Corporation of America, LabCorp and Labcorp Genetics (formerly Invitae), Labcorp); PubMed 33007923 (cited by Women's Health and Genetics/Laboratory Corporation of America, LabCorp and Labcorp Genetics (formerly Invitae), Labcorp).

NM_000352.6(ABCC8):c.1429G>A (p.Val477Met)

Gene: ABCC8 (ATP binding cassette subfamily C member 8; minus strand). Cytogenetic location: 11p15.1.
Variant type: single nucleotide variant.
Coding change: c.1429G>A on transcript NM_000352.6 (MANE Select); coding-DNA position 1429, G replaced by A.
Protein change: p.Val477Met; replaces valine 477 with methionine.
Molecular consequence: missense variant. On other transcripts: non-coding transcript variant (1).
Genome position (GRCh38, 1-based): chr11:17,443,216, C>T on the plus strand (G>A on the coding strand, the complement: ABCC8 is on the minus strand). VCF-style: chr11-17443216-C-T. GRCh37 (hg19) VCF-style: chr11-17464763-C-T.
Other names: c.1429G>A, p.Val477Met (NM_001287174.3, NM_001351295.2); c.1426G>A, p.Val476Met (NM_001351296.2, NM_001351297.2); short protein forms V477M, V476M.
Identifiers: ClinVar variation 3599395 (VCV003599395.6).
Genomic context (GRCh38, chr11:17,443,216, plus strand): 5'-ACACACACCTTTGGGCACTCACCAGTGTGCTCCGCTGGGCCTGAGACAGCTTGGTGGCCA[C>T]GAAGTACTGGACAGGAGCCAGTAGAATGATGACAGCTGCTCCAATTAAGGCACTGACTCC-3'
Protein context (NP_000343.2, residues 467-487): IILLAPVQYF[Val477Met]ATKLSQAQRS